The following is an entry in ClinVar:

NM_002578.5(PAK3):c.237G>A (p.Thr79=)

Gene: PAK3 (p21 (RAC1) activated kinase 3; plus strand). Cytogenetic location: Xq23.
Variant type: single nucleotide variant.
Coding change: c.237G>A on transcript NM_002578.5 (MANE Select); coding-DNA position 237, G replaced by A.
Protein change: p.Thr79=; no amino-acid change (threonine 79 retained).
Molecular consequence: synonymous variant. On other transcripts: non-coding transcript variant (2).
Genome position (GRCh38, 1-based): chrX:111,142,157, G>A. VCF-style: chrX-111142157-G-A. GRCh37 (hg19) VCF-style: chrX-110385385-G-A.
Other names: c.237G>A (NM_002578.4, NM_002578.3); c.237G>A, p.Thr79= (NM_001128166.3, NM_001128167.3, NM_001128168.3 and 12 more transcripts).
Identifiers: ClinVar variation 1663674 (VCV001663674.13), dbSNP rs768688720, ClinGen allele CA10492587.

ClinVar aggregate classification (germline): Likely benign. Review status: criteria provided, multiple submitters, no conflicts (2 of 4 stars). 5 submissions from 5 submitters: Likely benign (4). 1 of the submissions does not count toward it. Last evaluated 2025-02-19.

Conditions:
Inborn genetic diseases. Identifiers: MedGen C0950123, MeSH D030342.
PAK3-related disorder. Also called: PAK3-related condition.

Allele frequency attached by ClinVar (database versions not stated): gnomAD exomes below 0.00001 and 0.00001; ExAC 0.00001.
gnomAD v4.1: 5 of 1,185,836 alleles (0.00042%); highest among the groups gnomAD compares: Admixed American, 0.0022%; no homozygotes.

Submissions (5):

Women's Health and Genetics/Laboratory Corporation of America, LabCorp
Classification: Likely benign. Last evaluated: 2025-02-19. Review status: criteria provided, single submitter. Criteria: LabCorp Variant Classification Summary - May 2015. Collection method: clinical testing. Allele origin: germline.

Ambry Genetics
Classification: Likely benign for Inborn genetic diseases. Last evaluated: 2024-05-09. Review status: criteria provided, single submitter. Criteria: Ambry Variant Classification Scheme 2023. Collection method: clinical testing. Allele origin: germline.

Blueprint Genetics
Classification: Likely benign. Last evaluated: 2023-12-19. Review status: criteria provided, single submitter. Criteria: ACMG Guidelines, 2015. Collection method: clinical testing. Allele origin: germline.

Labcorp Genetics (formerly Invitae), Labcorp
Classification: Likely benign. Last evaluated: 2022-12-06. Review status: criteria provided, single submitter. Criteria: Invitae Variant Classification Sherloc (09022015). Collection method: clinical testing. Allele origin: germline.

PreventionGenetics, part of Exact Sciences
Classification: Likely benign for PAK3-related condition. Last evaluated: 2019-09-03. Review status: no assertion criteria provided. Collection method: clinical testing. Allele origin: germline. Not counted in ClinVar's aggregate classification.
Comment: This variant is classified as likely benign based on ACMG/AMP sequence variant interpretation guidelines (Richards et al. 2015 PMID: 25741868, with internal and published modifications).